The following is an entry in ClinVar:

ClinVar aggregate classification (germline): Uncertain significance (1 of 4 stars; one submission).

Conditions:
Hereditary cancer-predisposing syndrome. Also called: Hereditary Cancer Syndrome; Hereditary neoplastic syndrome; Neoplastic Syndromes, Hereditary; Tumor predisposition. Identifiers: Orphanet 140162, MedGen C0027672, MeSH D009386, MONDO:0015356.

Submission:

Ambry Genetics
Classification: Uncertain significance for Hereditary cancer-predisposing syndrome. Last evaluated: 2025-06-19. Review status: criteria provided, single submitter. Criteria: Ambry Variant Classification Scheme 2023. Collection method: clinical testing. Allele origin: germline.
Comment: The p.V68M variant (also known as c.202G>A), located in coding exon 3 of the EPCAM gene, results from a G to A substitution at nucleotide position 202. The valine at codon 68 is replaced by methionine, an amino acid with highly similar properties. This amino acid position is conserved. In addition, this alteration is predicted to be tolerated by in silico analysis. Based on the available evidence, the clinical significance of this variant remains unclear.

NM_002354.3(EPCAM):c.202G>A (p.Val68Met)

Gene: EPCAM (epithelial cell adhesion molecule; plus strand). Cytogenetic location: 2p21.
Variant type: single nucleotide variant.
Coding change: c.202G>A on transcript NM_002354.3 (MANE Select); coding-DNA position 202, G replaced by A.
Protein change: p.Val68Met; replaces valine 68 with methionine.
Molecular consequence: missense variant.
Genome position (GRCh38, 1-based): chr2:47,373,825, G>A. VCF-style: chr2-47373825-G-A. GRCh37 (hg19) VCF-style: chr2-47600964-G-A.
Other names: short protein forms V68M.
Identifiers: ClinVar variation 4249674 (VCV004249674.1).
Genomic context (GRCh38, chr2:47,373,825, plus strand): 5'-AAATCAGTTATTTTTCAGTTTGGCATTAAGGTTTCTTTTTCAGTGGCTGCCAAATGTTTG[G>A]TGATGAAGGCAGAAATGAATGGCTCAAAACTTGGGAGAAGAGCAAAACCTGAAGGGGCCC-3'
Protein context (NP_002345.2, residues 58-78): ICSKLAAKCL[Val68Met]MKAEMNGSKL